The following is an entry in ClinVar:

ClinVar aggregate classification (germline): Likely benign. Review status: criteria provided, multiple submitters, no conflicts (2 of 4 stars). 2 submissions from 2 submitters: Likely benign (2). Last evaluated 2023-04-28.

Conditions:
Cardiomyopathy (CMYO). Also called: Cardiomyopathies. Identifiers: Orphanet 167848, MedGen C0878544, MONDO:0004994, HP:0001638. Inheritance: Various modes of inheritance.
Catecholaminergic polymorphic ventricular tachycardia (CVPT). Also called: Catecholamine-induced polymorphic ventricular tachycardia. Identifiers: Orphanet 3286, MedGen C5574922, MONDO:0017990.

Submissions (2):

All of Us Research Program, National Institutes of Health
Classification: Likely benign for Catecholaminergic polymorphic ventricular tachycardia. Last evaluated: 2023-04-28. Review status: criteria provided, single submitter. Criteria: ACMG Guidelines, 2015. Collection method: clinical testing. Allele origin: germline. Inheritance: Autosomal dominant inheritance. Observed: 1 variant allele, 1 heterozygote.
Comment: This study involves interpretation of variants in research participants for the purpose of population health screening. Participant phenotype was not available at the time of variant classification. Additional details can be found in publication PMID: 35346344, PMCID: PMC8962531

Color Diagnostics, LLC DBA Color Health
Classification: Likely benign for Cardiomyopathy. Last evaluated: 2023-04-18. Review status: criteria provided, single submitter. Criteria: ACMG Guidelines, 2015. Collection method: clinical testing. Allele origin: germline.

NM_001035.3(RYR2):c.621C>T (p.Phe207=)

Gene: RYR2 (ryanodine receptor 2; plus strand). Cytogenetic location: 1q43.
Variant type: single nucleotide variant.
Coding change: c.621C>T on transcript NM_001035.3 (MANE Select); coding-DNA position 621, C replaced by T.
Protein change: p.Phe207=; no amino-acid change (phenylalanine 207 retained).
Molecular consequence: synonymous variant.
Genome position (GRCh38, 1-based): chr1:237,387,325, C>T. VCF-style: chr1-237387325-C-T. GRCh37 (hg19) VCF-style: chr1-237550625-C-T.
Identifiers: ClinVar variation 3070522 (VCV003070522.2), dbSNP rs1702025189, ClinGen allele CA423809233.